The following is an entry in ClinVar:

ClinVar aggregate classification (germline): Uncertain significance (1 of 4 stars; one submission).

Conditions:
Singleton-Merten syndrome 1 (SGMRT1). Also called: Widened medullary cavities of bone, aortic calcification, abnormal dentition, and muscular weakness; Syndrome of widened medullary cavities of the metacarpals and phalanges, aortic calcification and abnormal dentition. Identifiers: Orphanet 85191, MedGen C4225427, MONDO:0024535, OMIM 182250.
Aicardi-Goutieres syndrome 7 (AGS7). Identifiers: Orphanet 51, MedGen C3888244, MONDO:0014367, OMIM 615846.

Allele frequency attached by ClinVar (database versions not stated): gnomAD exomes below 0.00001.
gnomAD v4.1: 1 of 1,612,580 alleles (0.000062%); highest among the groups gnomAD compares: Non-Finnish European, 0.000085%; no homozygotes.

Submission:

Labcorp Genetics (formerly Invitae), Labcorp
Classification: Uncertain significance for Aicardi-Goutieres syndrome 7; Singleton-Merten syndrome 1. Last evaluated: 2023-05-20. Review status: criteria provided, single submitter. Criteria: Invitae Variant Classification Sherloc (09022015). Collection method: clinical testing. Allele origin: germline.
Comment: In summary, the available evidence is currently insufficient to determine the role of this variant in disease. Therefore, it has been classified as a Variant of Uncertain Significance. Algorithms developed to predict the effect of missense changes on protein structure and function output the following: SIFT: "Not Available"; PolyPhen-2: "Benign"; Align-GVGD: "Not Available". The alanine amino acid residue is found in multiple mammalian species, which suggests that this missense change does not adversely affect protein function. This variant has not been reported in the literature in individuals affected with IFIH1-related conditions. This variant is not present in population databases (gnomAD no frequency). This sequence change replaces glycine, which is neutral and non-polar, with alanine, which is neutral and non-polar, at codon 495 of the IFIH1 protein (p.Gly495Ala).

NM_022168.4(IFIH1):c.1484G>C (p.Gly495Ala)

Gene: IFIH1 (interferon induced with helicase C domain 1; minus strand). Cytogenetic location: 2q24.2.
Variant type: single nucleotide variant.
Coding change: c.1484G>C on transcript NM_022168.4 (MANE Select); coding-DNA position 1484, G replaced by C.
Protein change: p.Gly495Ala; replaces glycine 495 with alanine.
Molecular consequence: missense variant.
Genome position (GRCh38, 1-based): chr2:162,281,368, C>G on the plus strand (G>C on the coding strand, the complement: IFIH1 is on the minus strand). VCF-style: chr2-162281368-C-G. GRCh37 (hg19) VCF-style: chr2-163137878-C-G.
Other names: short protein forms G495A.
Identifiers: ClinVar variation 2948024 (VCV002948024.3), dbSNP rs1682804975, ClinGen allele CA349002097.